The following is an entry in ClinVar:

NM_000096.4(CP):c.188T>C (p.Ile63Thr)

Gene: CP (ceruloplasmin; minus strand). Cytogenetic location: 3q25.1.
Variant type: single nucleotide variant.
Coding change: c.188T>C on transcript NM_000096.4 (MANE Select); coding-DNA position 188, T replaced by C.
Protein change: p.Ile63Thr; replaces isoleucine 63 with threonine.
Molecular consequence: missense variant. On other transcripts: non-coding transcript variant (1).
Genome position (GRCh38, 1-based): chr3:149,212,657, A>G on the plus strand (T>C on the coding strand, the complement: CP is on the minus strand). VCF-style: chr3-149212657-A-G. GRCh37 (hg19) VCF-style: chr3-148930444-A-G.
Other names: short protein forms I63T.
Identifiers: ClinVar variation 1503773 (VCV001503773.8), dbSNP rs759185877, ClinGen allele CA2661367.

ClinVar aggregate classification (germline): Conflicting classifications of pathogenicity. Review status: criteria provided, conflicting classifications (1 of 4 stars). 3 submissions from 3 submitters: Likely pathogenic (1); Uncertain significance (2). Last evaluated 2025-07-01.

Conditions:
Deficiency of ferroxidase (ACEP). Also called: Deficiency of ceruloplasmin; Aceruloplasminemia; Ceruloplasmin deficiency; Familial apoceruloplasmin deficiency; Hereditary ceruloplasmin deficiency; NEURODEGENERATION WITH BRAIN IRON ACCUMULATION 10. Identifiers: Orphanet 48818, MedGen C0878682, MONDO:0011426, OMIM 604290, HP:0025498.

Allele frequency attached by ClinVar (database versions not stated): gnomAD exomes 0.00001; ExAC 0.00001; TOPMed 0.00001; gnomAD 0.00001.
gnomAD v4.1: 14 of 1,613,868 alleles (0.00087%); highest among the groups gnomAD compares: Middle Eastern, 0.017%; no homozygotes.

Submissions (3):

GeneDx
Classification: Likely pathogenic. Last evaluated: 2025-07-01. Review status: criteria provided, single submitter. Criteria: GeneDx Variant Classification Process June 2021. Collection method: clinical testing. Allele origin: germline. Affected: yes.
Comment: Identified in the heterozygous state in a patient with Parkinson's disease in the published literature (PMID: 15557511); Published functional studies demonstrate a damaging effect on N-glycosylation leading to ER accumulation and untranslated protein response (PMID: 16150804); In silico analysis supports that this missense variant has a deleterious effect on protein structure/function; Not observed at significant frequency in large population cohorts (gnomAD); This variant is associated with the following publications: (PMID: 16755382, 16150804, 15557511)

Women's Health and Genetics/Laboratory Corporation of America, LabCorp
Classification: Uncertain significance. Last evaluated: 2025-05-28. Review status: criteria provided, single submitter. Criteria: LabCorp Variant Classification Summary - May 2015. Collection method: clinical testing. Allele origin: germline.
Comment: Variant summary: CP c.188T>C (p.Ile63Thr) results in a non-conservative amino acid change in the encoded protein sequence. Algorithms developed to predict the effect of missense changes on protein structure and function all suggest that this variant is likely to be disruptive. The variant allele was found at a frequency of 8e-06 in 251016 control chromosomes. To our knowledge, no occurrence of c.188T>C in individuals affected with Neurodegeneration With Brain Iron Accumulation has been reported. At least one publication reports experimental evidence evaluating an impact on protein function. The most pronounced variant effect results in defective protein trafficking and post-translational modification (example, Hochstrasser_2005). The following publication have been ascertained in the context of this evaluation (PMID: 16150804). ClinVar contains an entry for this variant (Variation ID: 1503773). Based on the evidence outlined above, the variant was classified as VUS-possibly pathogenic.

Labcorp Genetics (formerly Invitae), Labcorp
Classification: Uncertain significance for Deficiency of ferroxidase. Last evaluated: 2022-09-03. Review status: criteria provided, single submitter. Criteria: Invitae Variant Classification Sherloc (09022015). Collection method: clinical testing. Allele origin: germline.
Comment: This sequence change replaces isoleucine, which is neutral and non-polar, with threonine, which is neutral and polar, at codon 63 of the CP protein (p.Ile63Thr). This variant is present in population databases (rs759185877, gnomAD 0.003%). This missense change has been observed in individual(s) with CP-related conditions (PMID: 15557511). ClinVar contains an entry for this variant (Variation ID: 1503773). Advanced modeling of protein sequence and biophysical properties (such as structural, functional, and spatial information, amino acid conservation, physicochemical variation, residue mobility, and thermodynamic stability) performed at Invitae indicates that this missense variant is expected to disrupt CP protein function. Experimental studies have shown that this missense change affects CP function (PMID: 16150804). In summary, the available evidence is currently insufficient to determine the role of this variant in disease. Therefore, it has been classified as a Variant of Uncertain Significance.

Literature cited by the submitters: PubMed 16150804 (cited by Women's Health and Genetics/Laboratory Corporation of America, LabCorp and Labcorp Genetics (formerly Invitae), Labcorp); PubMed 15557511 (cited by Labcorp Genetics (formerly Invitae), Labcorp).